The following is an entry in ClinVar:

ClinVar aggregate classification (germline): Pathogenic. Review status: reviewed by expert panel (3 of 4 stars). 6 submissions from 6 submitters: Pathogenic (1). 5 of the submissions do not count toward it. Last evaluated 2020-10-30.

Conditions:
Phenylketonuria (PKU). Also called: Phenylketonuria (PKU); FOLLING DISEASE; OLIGOPHRENIA PHENYLPYRUVICA; Phenylketonurias. Identifiers: Orphanet 716, MedGen C0031485, MONDO:0009861, OMIM 261600. Disease mechanism: loss of function.

Allele frequency attached by ClinVar (database versions not stated): gnomAD exomes 0.00002 and 0.00001; ExAC 0.00004; gnomAD 0.00001.

Submissions (6):

ClinGen PAH Variant Curation Expert Panel
Classification: Pathogenic for Phenylketonuria. Last evaluated: 2020-10-30. Review status: reviewed by expert panel. Criteria: ClinGen PAH ACMG Specifications v1. Collection method: curation. Allele origin: germline. Inheritance: Autosomal recessive inheritance.
Comment: Phe = 1240umol/L; BH4 deficiency not excluded (PMID: 24130151; PP4). This frameshift variant is predicted to undergo NMD, not located in last exon or last 50bp of preliminary exon (Coding exon number 6 out of 13 coding exons; 6 out of total exons) (PVS1). This variant was reported in gnomad with MAF = 0.00016 in South Asian population (PM2). In summary, this variant meets criteria to be classified as pathogenic for PAH. PAH-specific ACMG/AMP criteria applied: PVS1, PM2, PP4, PM3_supporting.

Natera, Inc.
Classification: Pathogenic for Phenylketonuria. Last evaluated: 2025-05-19. Review status: criteria provided, single submitter. Criteria: Natera Variant Classification Schema (03/2026). Collection method: clinical testing. Allele origin: germline. Not counted in ClinVar's aggregate classification.
Comment: The c.558_559delAT variant in PAH is a frameshift variant predicted to shift the reading frame beginning at codon 187 and leads to a stop codon 12 codons downstream. This variant is expected to result in nonsense mediated decay, truncation, or a dysfunctional protein product. This variant is rare in the general population with a frequency below the threshold expected for the associated phenotype(s). This variant has been observed in one or more individuals affected with the associated recessive disease, as either homozygous or compound heterozygous with a second variant (PMID: 24130151, 30159852). Given the available evidence, this variant is classified as Pathogenic.

Baylor Genetics
Classification: Pathogenic for Phenylketonuria. Last evaluated: 2023-08-15. Review status: criteria provided, single submitter. Criteria: ACMG Guidelines, 2015. Collection method: clinical testing. Allele origin: unknown. Not counted in ClinVar's aggregate classification.

Labcorp Genetics (formerly Invitae), Labcorp
Classification: Pathogenic for Phenylketonuria. Last evaluated: 2022-10-03. Review status: criteria provided, single submitter. Criteria: Invitae Variant Classification Sherloc (09022015). Collection method: clinical testing. Allele origin: germline. Not counted in ClinVar's aggregate classification.
Comment: This premature translational stop signal has been observed in individual(s) with phenylketonuria (PMID: 24130151). ClinVar contains an entry for this variant (Variation ID: 102734). For these reasons, this variant has been classified as Pathogenic. This variant is present in population databases (rs62517207, gnomAD 0.02%). This sequence change creates a premature translational stop signal (p.Trp187Glyfs*12) in the PAH gene. It is expected to result in an absent or disrupted protein product. Loss-of-function variants in PAH are known to be pathogenic (PMID: 1301187, 9634518).

Counsyl
Classification: Likely pathogenic for Phenylketonuria. Last evaluated: 2015-11-20. Review status: no assertion criteria provided. Collection method: clinical testing. Allele origin: unknown. Not counted in ClinVar's aggregate classification.

DeBelle Laboratory for Biochemical Genetics, MUHC/MCH RESEARCH INSTITUTE
No classification provided. Review status: no classification provided. Collection method: not provided. Allele origin: not provided. Not counted in ClinVar's aggregate classification.

Literature cited by the submitters: PubMed 24130151 (cited by 4 submitters); PubMed 9012412 (cited by ClinGen PAH Variant Curation Expert Panel and Counsyl); PubMed 30159852 (cited by Natera, Inc.); PubMed 1301187 (cited by Labcorp Genetics (formerly Invitae), Labcorp); PubMed 9634518 (cited by Labcorp Genetics (formerly Invitae), Labcorp).

NM_000277.3(PAH):c.558_559del (p.Trp187fs)

Gene: PAH (phenylalanine hydroxylase; minus strand). Cytogenetic location: 12q23.2.
Variant type: Deletion.
Coding change: c.558_559del on transcript NM_000277.3 (MANE Select); coding-DNA positions 558 to 559, 2 bases deleted (AT; older notation c.558_559delAT).
Protein change: p.Trp187fs; shifts the reading frame from tryptophan 187.
Molecular consequence: frameshift variant.
Genome position (GRCh38, 1-based): chr12:102,855,283-102,855,284, AT deleted on the plus strand (AT on the coding strand, the reverse complement: PAH is on the minus strand). VCF-style (leftmost placement, unchanged base first): chr12-102855282-CAT-C. GRCh37 (hg19) VCF-style: chr12-103249060-CAT-C.
Other names: c.558_559delAT (NM_000277.2); c.558_559del, p.Trp187fs (NM_001354304.2); short protein forms W187fs.
Identifiers: ClinVar variation 102734 (VCV000102734.14), dbSNP rs62517207, ClinGen allele CA229621.
Genomic context (GRCh38, chr12:102,855,282, plus strand): 5'-TTGTACTCATAGCAAGCATGGGTTTTATACAAGGACTTCAGAGTCTTGAACACTGTGCCC[CAT>C]GTTTTCTTTTCTTCCTCCATGTATTCCACTCGAGGGATGGGCTGCCCACTAGAATACAGG-3'